The following is an entry in ClinVar:

NM_001232.4(CASQ2):c.420+226T>A

Gene: CASQ2 (calsequestrin 2; minus strand). Cytogenetic location: 1p13.1.
Variant type: single nucleotide variant.
Coding change: c.420+226T>A on transcript NM_001232.4 (MANE Select); 226 bases into the intron after coding-DNA position 420, T replaced by A.
Molecular consequence: intron variant.
Genome position (GRCh38, 1-based): chr1:115,740,502, A>T on the plus strand (T>A on the coding strand, the complement: CASQ2 is on the minus strand). VCF-style: chr1-115740502-A-T. GRCh37 (hg19) VCF-style: chr1-116283123-A-T.
Identifiers: ClinVar variation 678672 (VCV000678672.1), dbSNP rs113842982, ClinGen allele CA10988120.
Genomic context (GRCh38, chr1:115,740,502, plus strand): 5'-GGAGCAAAACCAAGGAGATTTCAATAGACGTCTATGTATAACTGGTAACAGAATTAGCAT[A>T]TTACTACTACATGGCCCCCAACAGTTTCTAGGGTGGCTTAAAGATCACTTTCCCAGTAGA-3'

ClinVar aggregate classification (germline): Likely benign (1 of 4 stars; one submission).

Allele frequency attached by ClinVar (database versions not stated): 1000 Genomes Project 0.00539; 1000 Genomes Project 30x 0.00625; gnomAD 0.00948 and 0.00955; TOPMed 0.00981.
gnomAD v4.1: 1,455 of 152,330 alleles (0.96%); highest among the groups gnomAD compares: Non-Finnish European, 1.4%; 10 homozygotes.

Submission:

GeneDx
Classification: Likely benign. Last evaluated: 2018-06-14. Review status: criteria provided, single submitter. Criteria: GeneDx Variant Classification (06012015). Collection method: clinical testing. Allele origin: germline. Affected: yes.
Comment: This variant is considered likely benign or benign based on one or more of the following criteria: it is a conservative change, it occurs at a poorly conserved position in the protein, it is predicted to be benign by multiple in silico algorithms, and/or has population frequency not consistent with disease.